The following is an entry in ClinVar:

NM_001082971.2(DDC):c.1384C>T (p.Arg462Trp)

Gene: DDC (dopa decarboxylase; minus strand). Cytogenetic location: 7p12.2.
Variant type: single nucleotide variant.
Coding change: c.1384C>T on transcript NM_001082971.2 (MANE Select); coding-DNA position 1384, C replaced by T.
Protein change: p.Arg462Trp; replaces arginine 462 with tryptophan.
Molecular consequence: missense variant.
Genome position (GRCh38, 1-based): chr7:50,463,290, G>A on the plus strand (C>T on the coding strand, the complement: DDC is on the minus strand). VCF-style: chr7-50463290-G-A. GRCh37 (hg19) VCF-style: chr7-50530988-G-A.
Other names: c.1384C>T (NM_000790.3); c.1384C>T, p.Arg462Trp (NM_000790.4); c.1270C>T, p.Arg424Trp (NM_001242886.2); c.1240C>T, p.Arg414Trp (NM_001242887.2); c.1150C>T, p.Arg384Trp (NM_001242888.2); c.1105C>T, p.Arg369Trp (NM_001242889.2); short protein forms R369W, R424W, R462W, R414W, R384W.
Identifiers: ClinVar variation 1046467 (VCV001046467.7), dbSNP rs746158022, ClinGen allele CA4261979.

ClinVar aggregate classification (germline): Uncertain significance. Review status: criteria provided, multiple submitters, no conflicts (2 of 4 stars). 2 submissions from 2 submitters: Uncertain significance (2). Last evaluated 2026-02-11.

Conditions:
Deficiency of aromatic-L-amino-acid decarboxylase. Also called: DDC DEFICIENCY; DOPA DECARBOXYLASE DEFICIENCY; AADC DEFICIENCY; Aromatic L-Amino Acid Decarboxylase Deficiency; Aromatic amino acid decarboxylase deficiency. Identifiers: Orphanet 35708, MedGen C1291564, MONDO:0012084, OMIM 608643.

Allele frequency attached by ClinVar (database versions not stated): ExAC 0.00003; TOPMed 0.00001; gnomAD exomes 0.00003; gnomAD 0.00001.
gnomAD v4.1: 26 of 1,614,076 alleles (0.0016%); highest among the groups gnomAD compares: Admixed American, 0.0033%; no homozygotes.

Submissions (2):

GeneDx
Classification: Uncertain significance. Last evaluated: 2026-02-11. Review status: criteria provided, single submitter. Criteria: GeneDx Variant Classification Process June 2021. Collection method: clinical testing. Allele origin: germline.
Comment: Reported as a variant of uncertain significance in a computational analysis of DDC variants identified within existing databases and literature; clinical information not provided (PMID: 36427457); Not observed at significant frequency in large population cohorts (gnomAD); In silico analysis suggests that this missense variant does not alter protein structure/function; This variant is associated with the following publications: (PMID: 36427457)

Labcorp Genetics (formerly Invitae), Labcorp
Classification: Uncertain significance for Deficiency of aromatic-L-amino-acid decarboxylase. Last evaluated: 2022-09-07. Review status: criteria provided, single submitter. Criteria: Invitae Variant Classification Sherloc (09022015). Collection method: clinical testing. Allele origin: germline.
Comment: This sequence change replaces arginine, which is basic and polar, with tryptophan, which is neutral and slightly polar, at codon 462 of the DDC protein (p.Arg462Trp). This variant is present in population databases (rs746158022, gnomAD 0.02%). This variant has not been reported in the literature in individuals affected with DDC-related conditions. ClinVar contains an entry for this variant (Variation ID: 1046467). Algorithms developed to predict the effect of missense changes on protein structure and function (SIFT, PolyPhen-2, Align-GVGD) all suggest that this variant is likely to be tolerated. In summary, the available evidence is currently insufficient to determine the role of this variant in disease. Therefore, it has been classified as a Variant of Uncertain Significance.